The following is an entry in ClinVar:

ClinVar aggregate classification (germline): Likely benign (1 of 4 stars; one submission).

Conditions:
PLXNA3-related disorder. Also called: PLXNA3-related condition.

gnomAD v4.1: 1 of 1,210,706 alleles (0.000083%); highest among the groups gnomAD compares: African/African-American, 0.0017%; no homozygotes.

Submission:

PreventionGenetics, part of Exact Sciences
Classification: Likely benign for PLXNA3-related condition. Last evaluated: 2025-05-16. Review status: criteria provided, single submitter. Criteria: ACMG Guidelines, 2015. Collection method: clinical testing. Allele origin: germline.
Comment: This variant is classified as likely benign based on ACMG/AMP sequence variant interpretation guidelines (Richards et al. 2015 PMID: 25741868, with internal and published modifications).

NM_017514.5(PLXNA3):c.141G>C (p.Val47=)

Gene: PLXNA3 (plexin A3; plus strand). Cytogenetic location: Xq28.
Variant type: single nucleotide variant.
Coding change: c.141G>C on transcript NM_017514.5 (MANE Select); coding-DNA position 141, G replaced by C.
Protein change: p.Val47=; no amino-acid change (valine 47 retained).
Molecular consequence: synonymous variant.
Genome position (GRCh38, 1-based): chrX:154,460,324, G>C. VCF-style: chrX-154460324-G-C. GRCh37 (hg19) VCF-style: chrX-153688664-G-C.
Identifiers: ClinVar variation 5001074 (VCV005001074.1).